The following is an entry in ClinVar:

ClinVar aggregate classification (germline): Uncertain significance (1 of 4 stars; one submission).

Submission:

GeneDx
Classification: Uncertain significance. Last evaluated: 2024-10-31. Review status: criteria provided, single submitter. Criteria: GeneDx Variant Classification Process June 2021. Collection method: clinical testing. Allele origin: germline. Affected: yes.
Comment: Not observed at significant frequency in large population cohorts (gnomAD); Frameshift variant predicted to result in abnormal protein length as the last 49 amino acid(s) are replaced with 1 different amino acid(s) with an unclear effect on protein function; Has not been previously published as pathogenic or benign to our knowledge; This variant is associated with the following publications: (PMID: 11067845, 20619386)

NM_005188.4(CBL):c.2572_2573del (p.Ser858fs)

Gene: CBL (Cbl proto-oncogene; plus strand). Cytogenetic location: 11q23.3.
Variant type: Microsatellite.
Coding change: c.2572_2573del on transcript NM_005188.4 (MANE Select); coding-DNA positions 2572 to 2573, 2 bases deleted (TC; older notation c.2572_2573delTC).
Protein change: p.Ser858fs; shifts the reading frame from serine 858.
Molecular consequence: frameshift variant.
Genome position (GRCh38, 1-based): chr11:119,299,632-119,299,633, TC deleted; deleting any 2 consecutive bases within chr11:119,299,629-119,299,633 gives the same sequence; the c. name uses the placement nearest the transcript's 3' end. VCF-style (leftmost placement, unchanged base first): chr11-119299628-GCT-G. GRCh37 (hg19) VCF-style: chr11-119170338-GCT-G.
Other names: short protein forms S858fs.
Identifiers: ClinVar variation 3897425 (VCV003897425.1).